The following is an entry in ClinVar:

ClinVar aggregate classification (germline): Conflicting classifications of pathogenicity. Review status: criteria provided, conflicting classifications (1 of 4 stars). 7 submissions from 7 submitters: Likely pathogenic (3); Uncertain significance (3). 1 of the submissions does not count toward it. Last evaluated 2026-08-25.

Conditions:
Decreased circulating carnitine concentration. Also called: Decreased plasma carnitine. Identifiers: MedGen C5848230, HP:0003234.
Renal carnitine transport defect (CDSP). Also called: CARNITINE DEFICIENCY, SYSTEMIC, DUE TO DEFECT IN RENAL REABSORPTION OF CARNITINE; CARNITINE TRANSPORTER, PLASMA-MEMBRANE, DEFICIENCY OF; CARNITINE UPTAKE DEFECT; Primary carnitine deficiency; Carnitine transporter deficiency; Systemic primary carnitine deficiency. Identifiers: Orphanet 158, MedGen C0342788, MONDO:0008919, OMIM 212140.
Inborn genetic diseases. Identifiers: MedGen C0950123, MeSH D030342.

Allele frequency attached by ClinVar (database versions not stated): gnomAD exomes 0.00001; gnomAD 0.00007 and 0.00009; TOPMed 0.00013.
gnomAD v4.1: 20 of 1,613,926 alleles (0.0012%); highest among the groups gnomAD compares: Admixed American, 0.028%; no homozygotes.

Submissions (7):

Myriad Genetics, Inc.
Classification: Uncertain significance for Renal carnitine transport defect. Last evaluated: 2026-08-25. Review status: criteria provided, single submitter. Criteria: Myriad Autosomal Dominant, Autosomal Recessive and X-Linked Classification Criteria (2023). Collection method: clinical testing. Allele origin: unknown.
Comment: NM_003060.3(SLC22A5):c.728A>C(Y243S) is a missense variant classified as a variant of uncertain significance in the context of primary carnitine deficiency. Y243S has not been observed in cases with relevant disease. Relevant functional assessments of this variant are available in the literature (PMID: 36343260). Y243S has been observed in referenced population frequency databases. In summary, there is insufficient evidence to classify NM_003060.3(SLC22A5):c.728A>C(Y243S) as pathogenic or benign. Please note: this variant was assessed in the context of healthy population screening.

Labcorp Genetics (formerly Invitae), Labcorp
Classification: Likely pathogenic for Renal carnitine transport defect. Last evaluated: 2025-11-27. Review status: criteria provided, single submitter. Criteria: Invitae Variant Classification Sherloc (09022015). Collection method: clinical testing. Allele origin: germline.
Comment: This sequence change replaces tyrosine, which is neutral and polar, with serine, which is neutral and polar, at codon 243 of the SLC22A5 protein (p.Tyr243Ser). This variant is present in population databases (no rsID available, gnomAD 0.009%). This missense change has been observed in individual(s) with clinical features of primary carnitine deficiency (internal data). ClinVar contains an entry for this variant (Variation ID: 835927). Invitae Evidence Modeling of protein sequence and biophysical properties (such as structural, functional, and spatial information, amino acid conservation, physicochemical variation, residue mobility, and thermodynamic stability) indicates that this missense variant is expected to disrupt SLC22A5 protein function with a positive predictive value of 95%. Experimental studies have shown that this missense change affects SLC22A5 function (PMID: 36343260). In summary, the currently available evidence indicates that the variant is pathogenic, but additional data are needed to prove that conclusively. Therefore, this variant has been classified as Likely Pathogenic.

Fulgent Genetics
Classification: Likely pathogenic for Renal carnitine transport defect. Last evaluated: 2024-06-25. Review status: criteria provided, single submitter. Criteria: ACMG Guidelines, 2015. Collection method: clinical testing. Allele origin: germline.

GeneDx
Classification: Likely pathogenic. Last evaluated: 2024-06-18. Review status: criteria provided, single submitter. Criteria: GeneDx Variant Classification Process June 2021. Collection method: clinical testing. Allele origin: germline.
Comment: Functional analysis found this variant is associated with significantly impaired carnitine transport (PMID: 36343260); Not observed at significant frequency in large population cohorts (gnomAD); In silico analysis supports that this missense variant has a deleterious effect on protein structure/function; This variant is associated with the following publications: (PMID: 36343260)

Giacomini Lab, University of California, San Francisco
Classification: Uncertain significance for Renal carnitine transport defect. Last evaluated: 2022-10-03. Review status: criteria provided, single submitter. Criteria: ACMG Guidelines, 2015. Collection method: research, in vitro. Allele origin: germline, not applicable.

Ambry Genetics
Classification: Uncertain significance for Inborn genetic diseases. Last evaluated: 2021-07-08. Review status: criteria provided, single submitter. Criteria: Ambry Variant Classification Scheme 2023. Collection method: clinical testing. Allele origin: germline.

Natera, Inc.
Classification: Uncertain significance for Carnitine deficiency. Last evaluated: 2021-01-19. Review status: no assertion criteria provided. Collection method: clinical testing. Allele origin: germline. Not counted in ClinVar's aggregate classification.

Literature cited by the submitters: PubMed 36343260 (cited by Myriad Genetics, Inc. and Labcorp Genetics (formerly Invitae), Labcorp).

NM_003060.4(SLC22A5):c.728A>C (p.Tyr243Ser)

Gene: SLC22A5 (solute carrier family 22 member 5; plus strand). Cytogenetic location: 5q31.1.
Variant type: single nucleotide variant.
Coding change: c.728A>C on transcript NM_003060.4 (MANE Select); coding-DNA position 728, A replaced by C.
Protein change: p.Tyr243Ser; replaces tyrosine 243 with serine.
Molecular consequence: missense variant.
Genome position (GRCh38, 1-based): chr5:132,385,403, A>C. VCF-style: chr5-132385403-A-C. GRCh37 (hg19) VCF-style: chr5-131721095-A-C.
Other names: p.Tyr243Ser; c.800A>C, p.Tyr267Ser (NM_001308122.2); short protein forms Y243S, Y267S.
Identifiers: ClinVar variation 835927 (VCV000835927.20), dbSNP rs1321621475, ClinGen allele CA360805088.